The following is an entry in ClinVar:

ClinVar aggregate classification (germline): Uncertain significance (1 of 4 stars; one submission).

Allele frequency attached by ClinVar (database versions not stated): gnomAD 0.00004; gnomAD exomes 0.00004 and 0.00008; ExAC 0.00008; TOPMed 0.00008.
gnomAD v4.1: 71 of 1,613,898 alleles (0.0044%); highest among the groups gnomAD compares: South Asian, 0.033%; no homozygotes.

Submission:

Labcorp Genetics (formerly Invitae), Labcorp
Classification: Uncertain significance. Last evaluated: 2024-01-22. Review status: criteria provided, single submitter. Criteria: Invitae Variant Classification Sherloc (09022015). Collection method: clinical testing. Allele origin: germline.
Comment: This sequence change replaces arginine, which is basic and polar, with glutamine, which is neutral and polar, at codon 641 of the PTPN23 protein (p.Arg641Gln). This variant is present in population databases (rs771582644, gnomAD 0.04%). This variant has not been reported in the literature in individuals affected with PTPN23-related conditions. ClinVar contains an entry for this variant (Variation ID: 1431192). Experimental studies and prediction algorithms are not available or were not evaluated, and the functional significance of this variant is currently unknown. In summary, the available evidence is currently insufficient to determine the role of this variant in disease. Therefore, it has been classified as a Variant of Uncertain Significance.

NM_015466.4(PTPN23):c.1922G>A (p.Arg641Gln)

Gene: PTPN23 (protein tyrosine phosphatase non-receptor type 23; plus strand). Cytogenetic location: 3p21.31.
Variant type: single nucleotide variant.
Coding change: c.1922G>A on transcript NM_015466.4 (MANE Select); coding-DNA position 1922, G replaced by A.
Protein change: p.Arg641Gln; replaces arginine 641 with glutamine.
Molecular consequence: missense variant.
Genome position (GRCh38, 1-based): chr3:47,409,541, G>A. VCF-style: chr3-47409541-G-A. GRCh37 (hg19) VCF-style: chr3-47451031-G-A.
Other names: c.1544G>A, p.Arg515Gln (NM_001304482.2); short protein forms R641Q, R515Q.
Identifiers: ClinVar variation 1431192 (VCV001431192.4), dbSNP rs771582644, ClinGen allele CA2365858.